The following is an entry in ClinVar:

ClinVar aggregate classification (germline): Uncertain significance. Review status: criteria provided, multiple submitters, no conflicts (2 of 4 stars). 2 submissions from 2 submitters: Uncertain significance (2). Last evaluated 2025-02-20.

Conditions:
Inborn genetic diseases. Identifiers: MedGen C0950123, MeSH D030342.
Baller-Gerold syndrome (BGS). Also called: CRANIOSYNOSTOSIS WITH RADIAL DEFECTS. Identifiers: Orphanet 1225, MedGen C0265308, MONDO:0009039, OMIM 218600.

Allele frequency attached by ClinVar (database versions not stated): TOPMed below 0.00001.

Submissions (2):

Ambry Genetics
Classification: Uncertain significance for Inborn genetic diseases. Last evaluated: 2025-02-20. Review status: criteria provided, single submitter. Criteria: Ambry Variant Classification Scheme 2023. Collection method: clinical testing. Allele origin: germline.
Comment: The p.A241V variant (also known as c.722C>T), located in coding exon 5 of the RECQL4 gene, results from a C to T substitution at nucleotide position 722. The alanine at codon 241 is replaced by valine, an amino acid with similar properties. This amino acid position is conserved. In addition, this alteration is predicted to be tolerated by in silico analysis. Based on the available evidence, the clinical significance of this variant remains unclear.

Labcorp Genetics (formerly Invitae), Labcorp
Classification: Uncertain significance for Baller-Gerold syndrome. Last evaluated: 2024-04-08. Review status: criteria provided, single submitter. Criteria: Invitae Variant Classification Sherloc (09022015). Collection method: clinical testing. Allele origin: germline.
Comment: This sequence change replaces alanine, which is neutral and non-polar, with valine, which is neutral and non-polar, at codon 241 of the RECQL4 protein (p.Ala241Val). This variant is not present in population databases (gnomAD no frequency). This variant has not been reported in the literature in individuals affected with RECQL4-related conditions. ClinVar contains an entry for this variant (Variation ID: 950165). Advanced modeling of protein sequence and biophysical properties (such as structural, functional, and spatial information, amino acid conservation, physicochemical variation, residue mobility, and thermodynamic stability) performed at Invitae indicates that this missense variant is not expected to disrupt RECQL4 protein function with a negative predictive value of 80%. In summary, the available evidence is currently insufficient to determine the role of this variant in disease. Therefore, it has been classified as a Variant of Uncertain Significance.

NM_004260.4(RECQL4):c.722C>T (p.Ala241Val)

Gene: RECQL4 (RecQ like helicase 4; minus strand). Cytogenetic location: 8q24.3.
Variant type: single nucleotide variant.
Coding change: c.722C>T on transcript NM_004260.4 (MANE Select); coding-DNA position 722, C replaced by T.
Protein change: p.Ala241Val; replaces alanine 241 with valine.
Molecular consequence: missense variant.
Genome position (GRCh38, 1-based): chr8:144,516,397, G>A on the plus strand (C>T on the coding strand, the complement: RECQL4 is on the minus strand). VCF-style: chr8-144516397-G-A. GRCh37 (hg19) VCF-style: chr8-145741781-G-A.
Other names: short protein forms A241V.
Identifiers: ClinVar variation 950165 (VCV000950165.7), dbSNP rs749435879, ClinGen allele CA187688980.